The following is an entry in ClinVar:

ClinVar aggregate classification (germline): Uncertain significance (1 of 4 stars; one submission).

Allele frequency attached by ClinVar (database versions not stated): gnomAD exomes 0.00001; TOPMed 0.00001.

Submission:

Labcorp Genetics (formerly Invitae), Labcorp
Classification: Uncertain significance. Last evaluated: 2025-09-05. Review status: criteria provided, single submitter. Criteria: Invitae Variant Classification Sherloc (09022015). Collection method: clinical testing. Allele origin: germline.
Comment: This sequence change replaces glycine, which is neutral and non-polar, with serine, which is neutral and polar, at codon 43 of the TACO1 protein (p.Gly43Ser). This variant is present in population databases (no rsID available, gnomAD 0.004%). This variant has not been reported in the literature in individuals affected with TACO1-related conditions. ClinVar contains an entry for this variant (Variation ID: 1955460). An algorithm developed to predict the effect of missense changes on protein structure and function outputs the following: PolyPhen-2: "Benign". The serine amino acid residue is found in multiple mammalian species, which suggests that this missense change does not adversely affect protein function. In summary, the available evidence is currently insufficient to determine the role of this variant in disease. Therefore, it has been classified as a Variant of Uncertain Significance.

NM_016360.4(TACO1):c.127G>A (p.Gly43Ser)

Gene: TACO1 (translational activator of cytochrome c oxidase I; plus strand). Cytogenetic location: 17q23.3.
Variant type: single nucleotide variant.
Coding change: c.127G>A on transcript NM_016360.4 (MANE Select); coding-DNA position 127, G replaced by A.
Protein change: p.Gly43Ser; replaces glycine 43 with serine.
Molecular consequence: missense variant.
Genome position (GRCh38, 1-based): chr17:63,601,210, G>A. VCF-style: chr17-63601210-G-A. GRCh37 (hg19) VCF-style: chr17-61678569-G-A.
Other names: short protein forms G43S.
Identifiers: ClinVar variation 1955460 (VCV001955460.5), dbSNP rs947889585, ClinGen allele CA292903488.